The following is an entry in ClinVar:

NM_001048174.2(MUTYH):c.511G>A (p.Gly171Ser)

Gene: MUTYH (mutY DNA glycosylase; minus strand). Cytogenetic location: 1p34.1.
Variant type: single nucleotide variant.
Coding change: c.511G>A on transcript NM_001048174.2 (MANE Select); coding-DNA position 511, G replaced by A.
Protein change: p.Gly171Ser; replaces glycine 171 with serine.
Molecular consequence: missense variant. On other transcripts: non-coding transcript variant (2).
Genome position (GRCh38, 1-based): chr1:45,332,669, C>T on the plus strand (G>A on the coding strand, the complement: MUTYH is on the minus strand). VCF-style: chr1-45332669-C-T. GRCh37 (hg19) VCF-style: chr1-45798341-C-T.
Other names: c.511G>A, p.Gly171Ser (NM_001048171.2, NM_001048173.2, NM_001293195.2); c.514G>A, p.Gly172Ser (NM_001048172.2); c.595G>A, p.Gly199Ser (NM_001128425.2); c.556G>A, p.Gly186Ser (NM_001293190.2); c.544G>A, p.Gly182Ser (NM_001293191.2); c.235G>A, p.Gly79Ser (NM_001293192.2, NM_001293196.2); c.166G>A, p.Gly56Ser (NM_001350650.2, NM_001350651.2); c.586G>A, p.Gly196Ser (NM_012222.3); and 1 more; short protein forms G171S, G172S, G182S, G186S, G196S, G199S, G56S, G79S.
Identifiers: ClinVar variation 1001263 (VCV001001263.9), dbSNP rs1645156181, ClinGen allele CA340135435.

ClinVar aggregate classification (germline): Uncertain significance. Review status: criteria provided, multiple submitters, no conflicts (2 of 4 stars). 2 submissions from 2 submitters: Uncertain significance (2). Last evaluated 2026-03-13.

Conditions:
Hereditary cancer-predisposing syndrome. Also called: Neoplastic Syndromes, Hereditary; Hereditary Cancer Syndrome; Hereditary neoplastic syndrome; Tumor predisposition. Identifiers: Orphanet 140162, MedGen C0027672, MeSH D009386, MONDO:0015356.
Familial adenomatous polyposis 2. Also called: COLORECTAL ADENOMATOUS POLYPOSIS, AUTOSOMAL RECESSIVE; ADENOMAS, MULTIPLE COLORECTAL, AUTOSOMAL RECESSIVE; Adenomas, multiple colorectal; FAP type 2; MUTYH Polyposis; MUTYH-associated polyposis. Identifiers: Orphanet 220460, Orphanet 247798, MedGen C3272841, MONDO:0012041, OMIM 608456.

Submissions (2):

Ambry Genetics
Classification: Uncertain significance for Hereditary cancer-predisposing syndrome. Last evaluated: 2026-03-13. Review status: criteria provided, single submitter. Criteria: Ambry Variant Classification Scheme 2023. Collection method: clinical testing. Allele origin: germline.
Comment: The p.G199S variant (also known as c.595G>A), located in coding exon 8 of the MUTYH gene, results from a G to A substitution at nucleotide position 595. The glycine at codon 199 is replaced by serine, an amino acid with similar properties. This amino acid position is highly conserved in available vertebrate species. In addition, this alteration is predicted to be deleterious by in silico analysis.Based on the available evidence, the clinical significance of this variant remains unclear.

Labcorp Genetics (formerly Invitae), Labcorp
Classification: Uncertain significance for Familial adenomatous polyposis 2. Last evaluated: 2020-03-05. Review status: criteria provided, single submitter. Criteria: Invitae Variant Classification Sherloc (09022015). Collection method: clinical testing. Allele origin: germline.
Comment: This variant has not been reported in the literature in individuals with MUTYH-related conditions. This variant is not present in population databases (ExAC no frequency). This sequence change replaces glycine with serine at codon 199 of the MUTYH protein (p.Gly199Ser). The glycine residue is highly conserved and there is a small physicochemical difference between glycine and serine. Algorithms developed to predict the effect of missense changes on protein structure and function are either unavailable or do not agree on the potential impact of this missense change (SIFT: "Tolerated"; PolyPhen-2: "Probably Damaging"; Align-GVGD: "Class C0"). In summary, the available evidence is currently insufficient to determine the role of this variant in disease. Therefore, it has been classified as a Variant of Uncertain Significance.